The following is an entry in ClinVar:

NM_003587.5(DHX16):c.207+8C>G

Gene: DHX16 (DEAH-box helicase 16; minus strand). Cytogenetic location: 6p21.33.
Variant type: single nucleotide variant.
Coding change: c.207+8C>G on transcript NM_003587.5 (MANE Select); 8 bases into the intron after coding-DNA position 207, C replaced by G.
Molecular consequence: intron variant.
Genome position (GRCh38, 1-based): chr6:30,672,627, G>C on the plus strand (C>G on the coding strand, the complement: DHX16 is on the minus strand). VCF-style: chr6-30672627-G-C. GRCh37 (hg19) VCF-style: chr6-30640404-G-C.
Other names: c.-1913+8C>G (NM_001363515.2); c.27+329C>G (NM_001164239.2).
Identifiers: ClinVar variation 3051939 (VCV003051939.22), dbSNP rs369817718, ClinGen allele CA3701556.

ClinVar aggregate classification (germline): Benign/Likely benign. Review status: criteria provided, multiple submitters, no conflicts (2 of 4 stars). 3 submissions from 3 submitters: Benign (1); Likely benign (1). 1 of the submissions does not count toward it. Last evaluated 2026-04-01.

Conditions:
DHX16-related disorder. Also called: DHX16-related condition.

Allele frequency attached by ClinVar (database versions not stated): ESP Exome Variant Server 0.00024; 1000 Genomes Project 0.00040; ExAC 0.00057; 1000 Genomes Project 30x 0.00062.
gnomAD v4.1: 796 of 1,605,460 alleles (0.05%); highest among the groups gnomAD compares: Middle Eastern, 0.33%; 5 homozygotes.

Submissions (3):

CeGaT Center for Human Genetics Tuebingen
Classification: Likely benign. Last evaluated: 2026-04-01. Review status: criteria provided, single submitter. Criteria: CeGaT Center For Human Genetics Tuebingen Variant Classification Criteria Version 2. Collection method: clinical testing. Allele origin: germline. Affected: yes. Observed: 2 variant alleles.
Comment: DHX16: BP1, BP4

Laboratory of Genetics, Children's Clinical University Hospital Latvia
Classification: Benign. Last evaluated: 2025-02-16. Review status: criteria provided, single submitter. Criteria: ACMG Guidelines, 2015. Collection method: clinical testing. Allele origin: germline. Affected: yes.

PreventionGenetics, part of Exact Sciences
Classification: Likely benign for DHX16-related condition. Last evaluated: 2020-01-13. Review status: no assertion criteria provided. Collection method: clinical testing. Allele origin: germline. Not counted in ClinVar's aggregate classification.
Comment: This variant is classified as likely benign based on ACMG/AMP sequence variant interpretation guidelines (Richards et al. 2015 PMID: 25741868, with internal and published modifications).